The following is an entry in ClinVar:

ClinVar aggregate classification (germline): Uncertain significance (1 of 4 stars; one submission).

Conditions:
Cystic fibrosis (CF). Also called: MUCOVISCIDOSIS. Identifiers: Orphanet 586, MedGen C0010674, MONDO:0009061, OMIM 219700. Disease mechanism: loss of function.

Submission:

Ambry Genetics
Classification: Uncertain significance for Cystic fibrosis. Last evaluated: 2024-06-08. Review status: criteria provided, single submitter. Criteria: Ambry Variant Classification Scheme 2023. Collection method: clinical testing. Allele origin: germline.
Comment: The p.P798L variant (also known as c.2393C>T), located in coding exon 14 of the CFTR gene, results from a C to T substitution at nucleotide position 2393. The proline at codon 798 is replaced by leucine, an amino acid with similar properties. This amino acid position is conserved. In addition, this alteration is predicted to be deleterious by in silico analysis. Based on the available evidence, the clinical significance of this variant remains unclear.

NM_000492.4(CFTR):c.2393C>T (p.Pro798Leu)

Gene: CFTR (CF transmembrane conductance regulator; plus strand). Cytogenetic location: 7q31.2.
Variant type: single nucleotide variant.
Coding change: c.2393C>T on transcript NM_000492.4 (MANE Select); coding-DNA position 2393, C replaced by T.
Protein change: p.Pro798Leu; replaces proline 798 with leucine.
Molecular consequence: missense variant.
Genome position (GRCh38, 1-based): chr7:117,592,560, C>T. VCF-style: chr7-117592560-C-T. GRCh37 (hg19) VCF-style: chr7-117232614-C-T.
Other names: short protein forms P798L.
Identifiers: ClinVar variation 3266698 (VCV003266698.1).